The following is an entry in ClinVar:

NM_004004.6(GJB2):c.59T>C (p.Ile20Thr)

Gene: GJB2 (gap junction protein beta 2; minus strand). Cytogenetic location: 13q12.11.
Variant type: single nucleotide variant.
Coding change: c.59T>C on transcript NM_004004.6 (MANE Select); coding-DNA position 59, T replaced by C.
Protein change: p.Ile20Thr; replaces isoleucine 20 with threonine.
Molecular consequence: missense variant.
Genome position (GRCh38, 1-based): chr13:20,189,523, A>G on the plus strand (T>C on the coding strand, the complement: GJB2 is on the minus strand). VCF-style: chr13-20189523-A-G. GRCh37 (hg19) VCF-style: chr13-20763662-A-G.
Other names: short protein forms I20T.
Identifiers: ClinVar variation 371766 (VCV000371766.24), dbSNP rs1057517519, ClinGen allele CA16041595.

ClinVar aggregate classification (germline): Pathogenic. Review status: criteria provided, multiple submitters, no conflicts (2 of 4 stars). 10 submissions from 9 submitters: Pathogenic (6). 4 of the submissions do not count toward it. Last evaluated 2025-12-31.

Conditions:
GJB2-related disorder. Also called: GJB2-related condition; GJB2-related disorders. Identifiers: MedGen CN382183, MONDO:1060236.
Nonsyndromic genetic hearing loss. Also called: Non-syndromic genetic deafness; Nonsyndromic genetic deafness; Nonsyndromic hearing loss and deafness. Identifiers: Orphanet 87884, MedGen C5680182, MONDO:0019497.
nonsyndromic sensorineural hearing loss. Identifiers: MedGen C1842137, MeSH C537845.
Hearing loss. Identifiers: MedGen C3887873.
Autosomal dominant nonsyndromic hearing loss 3A. Identifiers: Orphanet 90635, MedGen C2675750, MONDO:0011103, OMIM 601544.
Autosomal recessive nonsyndromic hearing loss 1A (DFNB1A). Also called: GJB6-Related DFNB 1 Nonsyndromic Hearing Loss and Deafness; Deafness, autosomal recessive 1A; GJB2-Related Autosomal Recessive Nonsyndromic Hearing Loss; Nonsyndromic Hearing Loss and Deafness, DFNB1; Connexin 26 deafness; Deafness nonsyndromic, Connexin 26 linked. Identifiers: Orphanet 90636, MedGen C2673759, MONDO:0009076, OMIM 220290.

Allele frequency attached by ClinVar (database versions not stated): gnomAD exomes below 0.00001; TOPMed 0.00001.
gnomAD v4.1: 2 of 1,614,072 alleles (0.00012%); highest among the groups gnomAD compares: Non-Finnish European, 0.00017%; no homozygotes.

Submissions (10):

Natera, Inc.
Classification: Pathogenic for Autosomal recessive deafness type 1A. Last evaluated: 2025-12-31. Review status: criteria provided, single submitter. Criteria: Natera Variant Classification Schema (03/2026). Collection method: clinical testing. Allele origin: germline.
Comment: The c.59T>C variant in GJB2 is a missense variant predicted to cause substitution of isoleucine to threonine at amino acid 20. This variant is rare in the general population with a frequency below the threshold expected for the associated phenotype(s). This variant has been observed in one or more individuals affected with the associated recessive disease, as either homozygous or compound heterozygous with a second variant (PMID: 33096615, 31370293). A different variant at the same position has been determined to be Pathogenic or Likely Pathogenic. Computational prediction algorithms indicate this variant is likely to affect gene or protein function. Given the available evidence, this variant is classified as Pathogenic.

PreventionGenetics, part of Exact Sciences
Classification: Pathogenic for GJB2-related condition. Last evaluated: 2025-10-27. Review status: criteria provided, single submitter. Criteria: ACMG Guidelines, 2015. Collection method: clinical testing. Allele origin: germline.
Comment: The GJB2 c.59T>C variant is predicted to result in the amino acid substitution p.Ile20Thr. This variant has been reported to be pathogenic for autosomal recessive non-syndromic hearing loss (Loffler et al. 2001. PubMed ID: 11313763; Figueroa-Ildefonso et al. 2019. PubMed ID: 31370293; Snoeckx et al. 2005. PubMed ID: 16380907; Stanghellini et al. 2014. PubMed ID: 25401782). This variant has not been reported in a large population database (gnomAD), indicating this variant is rare. This variant is interpreted as pathogenic.

Labcorp Genetics (formerly Invitae), Labcorp
Classification: Pathogenic. Last evaluated: 2025-07-14. Review status: criteria provided, single submitter. Criteria: Invitae Variant Classification Sherloc (09022015). Collection method: clinical testing. Allele origin: germline.
Comment: This sequence change replaces isoleucine, which is neutral and non-polar, with threonine, which is neutral and polar, at codon 20 of the GJB2 protein (p.Ile20Thr). This variant is not present in population databases (gnomAD no frequency). This missense change has been observed in individual(s) with autosomal recessive deafness (PMID: 11313763, 12189487, 16380907). In at least one individual the data is consistent with being in trans (on the opposite chromosome) from a pathogenic variant. ClinVar contains an entry for this variant (Variation ID: 371766). Invitae Evidence Modeling of protein sequence and biophysical properties (such as structural, functional, and spatial information, amino acid conservation, physicochemical variation, residue mobility, and thermodynamic stability) indicates that this missense variant is expected to disrupt GJB2 protein function with a positive predictive value of 95%. Experimental studies have shown that this missense change affects GJB2 function (PMID: 16217030). For these reasons, this variant has been classified as Pathogenic.

Blueprint Genetics
Classification: Pathogenic for GJB2-related disorders. Last evaluated: 2024-01-23. Review status: criteria provided, single submitter. Criteria: ACMG Guidelines, 2015. Collection method: clinical testing. Allele origin: germline. Affected: yes. Observed: 3 variant alleles.

GeneDx
Classification: Pathogenic. Last evaluated: 2023-11-28. Review status: criteria provided, single submitter. Criteria: GeneDx Variant Classification Process June 2021. Collection method: clinical testing. Allele origin: germline. Affected: yes.
Comment: Observed multiple times with a pathogenic GJB2 variant in individuals with nonsyndromic hearing loss, but it is not known whether the variants occurred on the same (in cis) or on different (in trans) chromosomes (PMID: 31370293, 11313763, 16380907); Published functional studies demonstrate a damaging effect: exhibited a reduction of ionic permeability (PMID: 16217030); Not observed at significant frequency in large population cohorts (gnomAD); In silico analysis supports that this missense variant has a deleterious effect on protein structure/function; This variant is associated with the following publications: (PMID: 33096615, 24256046, 25388846, 11313763, 33105617, 16380907, 25401782, 12189487, 31370293, 16217030)

INGEBI, INGEBI / CONICET
Classification: Pathogenic for Nonsyndromic hearing loss and deafness. Last evaluated: 2020-08-31. Review status: criteria provided, single submitter. Criteria: ClinGen HL ACMG Specifications v1. Collection method: clinical testing. Allele origin: germline. Inheritance: Autosomal recessive inheritance. Affected: yes. Observed: 3 variant alleles, 3 homozygotes. Clinical features observed: Postlingual profound unilateral hearing loss.
Comment: Based on ACMG/AMP guidelines and Hearing Loss Expert Panel specific criteria: the filtering allele frequency of the c.59T>C, p.Ile20Thr variant in GJB2 gene is absent from population databases (gnomAD, GO-ESP, 1000 genomes) meeting PM2 criteria. Computational evidence predicted a pathogenic effect of the mutation to the protein applying to PP3 rule (REVELscore: 0.931). This variant has been identified in trans with pathogenic variants and in homozygous state in at least 4 patients with hearing impairment meeting PM3_VeryStrong (PMID: 11313763, 12189487, 16380907, 25401782, Laboratory of Physiology and Genetics of Hearing, INGEBI internal data). Besides, homozygous p.Ile20Thr change segregated in two brothers with hearing loss applying to PP1_Supporting rule (Laboratory of Physiology and Genetics of Hearing, INGEBI internal data). Functional studies in HEK293 cells demonstrated that p.Ile20Thr mutant exhibited a reduction of ionic permeability by two-electrode patch clamp recording experiment (PMID: 16217030) meeting PS3_Moderate. In summary, this variant meets criteria to be classified as pathogenic for autosomal recessive non-syndromic hearing loss: PM2, PP3, PM3_VeryStrong, PP1_Supporting, PS3_Moderate.

Molecular Genetics Laboratory, BC Children's and BC Women's Hospitals
Classification: Pathogenic for nonsyndromic sensorineural hearing loss. Last evaluated: 2021-02-19. Review status: no assertion criteria provided. Criteria: ACMG Guidelines, 2015. Collection method: clinical testing. Allele origin: germline. Affected: yes. Not counted in ClinVar's aggregate classification.

Counsyl
Classification: Likely pathogenic for Autosomal recessive nonsyndromic hearing loss 1A. Last evaluated: 2016-08-09. Review status: no assertion criteria provided. Collection method: clinical testing. Allele origin: unknown. Not counted in ClinVar's aggregate classification.

Counsyl
Classification: Likely pathogenic for Autosomal dominant nonsyndromic hearing loss 3A. Last evaluated: 2016-08-09. Review status: no assertion criteria provided. Collection method: clinical testing. Allele origin: unknown. Not counted in ClinVar's aggregate classification.

Clinical Molecular Genetics Laboratory, Johns Hopkins All Children's Hospital
Classification: Pathogenic for Hearing loss. Last evaluated: 2008-09-11. Review status: no assertion criteria provided. Collection method: clinical testing. Allele origin: germline. Affected: yes. Not counted in ClinVar's aggregate classification.

Literature cited by the submitters: PubMed 33096615 (cited by Natera, Inc.); PubMed 31370293 (cited by Natera, Inc.); PubMed 11313763 (cited by 3 submitters); PubMed 12189487 (cited by Labcorp Genetics (formerly Invitae), Labcorp and INGEBI, INGEBI / CONICET); PubMed 16380907 (cited by 3 submitters); PubMed 16217030 (cited by 3 submitters); PubMed 25401782 (cited by INGEBI, INGEBI / CONICET and Counsyl); PubMed 24256046 (cited by Counsyl).